The following is an entry in ClinVar:

NM_006015.6(ARID1A):c.4292A>G (p.Tyr1431Cys)

Gene: ARID1A (AT-rich interaction domain 1A; plus strand). Cytogenetic location: 1p36.11.
Variant type: single nucleotide variant.
Coding change: c.4292A>G on transcript NM_006015.6 (MANE Select); coding-DNA position 4292, A replaced by G.
Protein change: p.Tyr1431Cys; replaces tyrosine 1431 with cysteine.
Molecular consequence: missense variant. On other transcripts: intron variant (1).
Genome position (GRCh38, 1-based): chr1:26,774,519, A>G. VCF-style: chr1-26774519-A-G. GRCh37 (hg19) VCF-style: chr1-27101010-A-G.
Other names: c.4102-461A>G (NM_139135.4); short protein forms Y1431C.
Identifiers: ClinVar variation 3603119 (VCV003603119.1).
Genomic context (GRCh38, chr1:26,774,519, plus strand): 5'-AGCCTGCCAGCCAGCAACAAGCTGCCCAGCCTTCCCCTCAGCAAGATGTATACAACCAGT[A>G]TGGCAATGCCTATCCTGCCACTGCCACAGCTGCTACTGAGCGCCGACCAGCAGGCGGCCC-3'
Protein context (NP_006006.3, residues 1421-1441): PSPQQDVYNQ[Tyr1431Cys]GNAYPATATA

ClinVar aggregate classification (germline): Uncertain significance (1 of 4 stars; one submission).

gnomAD v4.1: 4 of 1,614,044 alleles (0.00025%); highest among the groups gnomAD compares: Non-Finnish European, 0.00034%; no homozygotes.

Submission:

GeneDx
Classification: Uncertain significance. Last evaluated: 2024-08-06. Review status: criteria provided, single submitter. Criteria: GeneDx Variant Classification Process June 2021. Collection method: clinical testing. Allele origin: germline. Affected: yes.
Comment: Not observed at significant frequency in large population cohorts (gnomAD); In silico analysis supports that this missense variant has a deleterious effect on protein structure/function; Has not been previously published as pathogenic or benign to our knowledge